The following is an entry in ClinVar:

ClinVar aggregate classification (germline): Uncertain significance (1 of 4 stars; one submission).

Conditions:
CREBBP-related disorder. Also called: CREBBP-related disorders; CREBBP-related condition.

gnomAD v4.1: 10 of 1,613,816 alleles (0.00062%); highest among the groups gnomAD compares: Non-Finnish European, 0.00085%; no homozygotes.

Submission:

PreventionGenetics, part of Exact Sciences
Classification: Uncertain significance for CREBBP-related condition. Last evaluated: 2026-03-11. Review status: criteria provided, single submitter. Criteria: ACMG Guidelines, 2015. Collection method: clinical testing. Allele origin: germline.
Comment: The CREBBP c.928T>C variant is predicted to result in the amino acid substitution p.Phe310Leu. To our knowledge, this variant has not been reported in the literature or in a large population database (gnomAD), indicating this variant is rare. At this time, the clinical significance of this variant is uncertain due to the absence of conclusive functional and genetic evidence.

NM_004380.3(CREBBP):c.928T>C (p.Phe310Leu)

Gene: CREBBP (CREB binding lysine acetyltransferase; minus strand). Cytogenetic location: 16p13.3.
Variant type: single nucleotide variant.
Coding change: c.928T>C on transcript NM_004380.3 (MANE Select); coding-DNA position 928, T replaced by C.
Protein change: p.Phe310Leu; replaces phenylalanine 310 with leucine.
Molecular consequence: missense variant.
Genome position (GRCh38, 1-based): chr16:3,810,650, A>G on the plus strand (T>C on the coding strand, the complement: CREBBP is on the minus strand). VCF-style: chr16-3810650-A-G. GRCh37 (hg19) VCF-style: chr16-3860651-A-G.
Other names: c.928T>C, p.Phe310Leu (NM_001079846.1); short protein forms F310L.
Identifiers: ClinVar variation 4988240 (VCV004988240.1).